The following is an entry in ClinVar:

ClinVar aggregate classification (germline): Uncertain significance (1 of 4 stars; one submission).

Conditions:
Hereditary cancer-predisposing syndrome. Also called: Hereditary Cancer Syndrome; Hereditary neoplastic syndrome; Tumor predisposition; Neoplastic Syndromes, Hereditary. Identifiers: Orphanet 140162, MedGen C0027672, MeSH D009386, MONDO:0015356.

gnomAD v4.1: 6 of 1,614,240 alleles (0.00037%); highest among the groups gnomAD compares: African/African-American, 0.0013%; no homozygotes.

Submission:

Ambry Genetics
Classification: Uncertain significance for Hereditary cancer-predisposing syndrome. Last evaluated: 2024-10-26. Review status: criteria provided, single submitter. Criteria: Ambry Variant Classification Scheme 2023. Collection method: clinical testing. Allele origin: germline.
Comment: The p.A851V variant (also known as c.2552C>T), located in coding exon 15 of the ALK gene, results from a C to T substitution at nucleotide position 2552. The alanine at codon 851 is replaced by valine, an amino acid with similar properties. This amino acid position is conserved. In addition, this alteration is predicted to be tolerated by in silico analysis. Based on the available evidence, the clinical significance of this variant remains unclear.

NM_004304.5(ALK):c.2552C>T (p.Ala851Val)

Gene: ALK (ALK receptor tyrosine kinase; minus strand). Cytogenetic location: 2p23.2.
Variant type: single nucleotide variant.
Coding change: c.2552C>T on transcript NM_004304.5 (MANE Select); coding-DNA position 2552, C replaced by T.
Protein change: p.Ala851Val; replaces alanine 851 with valine.
Molecular consequence: missense variant.
Genome position (GRCh38, 1-based): chr2:29,232,384, G>A on the plus strand (C>T on the coding strand, the complement: ALK is on the minus strand). VCF-style: chr2-29232384-G-A. GRCh37 (hg19) VCF-style: chr2-29455250-G-A.
Other names: short protein forms A851V.
Identifiers: ClinVar variation 3525025 (VCV003525025.1).